The following is an entry in ClinVar:

NC_000016.9:g.(?_8873316)_(8875287_?)dup

Gene: ABAT (4-aminobutyrate aminotransferase; plus strand). Cytogenetic location: 16p13.2.
Variant type: Duplication.
Identifiers: ClinVar variation 2426574 (VCV002426574.5).

ClinVar aggregate classification (germline): Uncertain significance (1 of 4 stars; one submission).

Conditions:
Gamma-aminobutyric acid transaminase deficiency (GABATD). Also called: GABA transaminase deficiency; Gamma aminobutyrate transaminase deficiency; 4 alpha aminobutyrate transaminase deficiency; GABA aminotransaminase deficiency. Identifiers: Orphanet 2066, MedGen C0342708, MONDO:0013166, OMIM 613163.

Submission:

Labcorp Genetics (formerly Invitae), Labcorp
Classification: Uncertain significance for Gamma-aminobutyric acid transaminase deficiency. Last evaluated: 2022-08-11. Review status: criteria provided, single submitter. Criteria: Invitae Variant Classification Sherloc (09022015). Collection method: clinical testing. Allele origin: germline.
Comment: In summary, the available evidence is currently insufficient to determine the role of this variant in disease. Therefore, it has been classified as a Variant of Uncertain Significance. This variant has not been reported in the literature in individuals affected with ABAT-related conditions. This variant results in a copy number gain of the genomic region encompassing exon(s) 15-16 of the ABAT gene. This region includes the termination codon of the gene. This copy number gain extends beyond the assayed region for this gene and therefore may encompass additional genes. As the precise location of this event is unknown, it may be in tandem or it may be located elsewhere in the genome.